The following is an entry in ClinVar:

ClinVar aggregate classification (germline): Uncertain significance. Review status: criteria provided, single submitter (1 of 4 stars). 2 submissions from 2 submitters: Uncertain significance (1). 1 of the submissions does not count toward it. Last evaluated 2022-06-20.

Conditions:
Bardet-Biedl syndrome 1 (BBS1). Identifiers: MedGen C2936862, MONDO:0008854, OMIM 209900. Disease mechanism: loss of function.
Bardet-Biedl syndrome (BBS). Identifiers: Orphanet 110, MedGen C0752166, MONDO:0015229.

Allele frequency attached by ClinVar (database versions not stated): gnomAD exomes below 0.00001.
gnomAD v4.1: 2 of 1,614,208 alleles (0.00012%); highest among the groups gnomAD compares: Non-Finnish European, 0.000085%; no homozygotes.

Submissions (2):

Labcorp Genetics (formerly Invitae), Labcorp
Classification: Uncertain significance for Bardet-Biedl syndrome. Last evaluated: 2022-06-20. Review status: criteria provided, single submitter. Criteria: Invitae Variant Classification Sherloc (09022015). Collection method: clinical testing. Allele origin: germline.
Comment: This sequence change falls in intron 12 of the BBS1 gene. It does not directly change the encoded amino acid sequence of the BBS1 protein. It affects a nucleotide within the consensus splice site. This variant is not present in population databases (gnomAD no frequency). This variant has not been reported in the literature in individuals affected with BBS1-related conditions. ClinVar contains an entry for this variant (Variation ID: 1014563). Variants that disrupt the consensus splice site are a relatively common cause of aberrant splicing (PMID: 17576681, 9536098). Algorithms developed to predict the effect of sequence changes on RNA splicing suggest that this variant may disrupt the consensus splice site. In summary, the available evidence is currently insufficient to determine the role of this variant in disease. Therefore, it has been classified as a Variant of Uncertain Significance.

Natera, Inc.
Classification: Uncertain significance for Bardet-Biedl syndrome type 1. Last evaluated: 2020-04-06. Review status: no assertion criteria provided. Collection method: clinical testing. Allele origin: germline. Not counted in ClinVar's aggregate classification.

Literature cited by the submitters: PubMed 17576681 (cited by Labcorp Genetics (formerly Invitae), Labcorp); PubMed 9536098 (cited by Labcorp Genetics (formerly Invitae), Labcorp).

NM_024649.5(BBS1):c.1181-3T>G

Genes: BBS1 (Bardet-Biedl syndrome 1; plus strand), ZDHHC24 (zDHHC palmitoyltransferase 24; minus strand). Cytogenetic location: 11q13.2.
Variant type: single nucleotide variant.
Coding change: c.1181-3T>G on transcript NM_024649.5 (MANE Select); 3 bases into the intron before coding-DNA position 1181, T replaced by G.
Molecular consequence: intron variant.
Genome position (GRCh38, 1-based): chr11:66,526,646, T>G. VCF-style: chr11-66526646-T-G. GRCh37 (hg19) VCF-style: chr11-66294117-T-G.
Other names: c.*21+290A>C (NM_001348571.2).
Identifiers: ClinVar variation 1014563 (VCV001014563.8), dbSNP rs1856511506, ClinGen allele CA1979711682.